The following is an entry in ClinVar:

NM_001369.3(DNAH5):c.3743del (p.Lys1248fs)

Genes: DNAH5 (dynein axonemal heavy chain 5; minus strand), DNAH5-AS1 (DNAH5 antisense RNA 1; plus strand). Cytogenetic location: 5p15.2.
Variant type: Deletion.
Coding change: c.3743del on transcript NM_001369.3 (MANE Select); coding-DNA position 3743, one base deleted (A; older notation c.3743delA).
Protein change: p.Lys1248fs; shifts the reading frame from lysine 1248.
Molecular consequence: frameshift variant.
Genome position (GRCh38, 1-based): chr5:13,870,858, T deleted on the plus strand (A on the coding strand, the reverse complement: DNAH5 is on the minus strand); the first of 2 consecutive T bases (chr5:13,870,858-13,870,859); deleting either gives the same sequence. VCF-style (leftmost placement, unchanged base first): chr5-13870857-CT-C. GRCh37 (hg19) VCF-style: chr5-13870966-CT-C.
Other names: short protein forms K1248fs.
Identifiers: ClinVar variation 5015552 (VCV005015552.1).

ClinVar aggregate classification (germline): Pathogenic (1 of 4 stars; one submission).

Conditions:
Primary ciliary dyskinesia 3. Identifiers: Orphanet 244, MedGen C1837618, MONDO:0012085, OMIM 608644.

Submission:

Myriad Genetics, Inc.
Classification: Pathogenic for Primary ciliary dyskinesia 3. Last evaluated: 2026-02-15. Review status: criteria provided, single submitter. Criteria: Myriad Autosomal Dominant, Autosomal Recessive and X-Linked Classification Criteria (2023). Collection method: clinical testing. Allele origin: unknown.
Comment: NM_001369.2(DNAH5):c.3743delA(K1248Rfs*3) is expected to be pathogenic in the context of primary ciliary dyskinesia, DNAH5-related. This variant is predicted to lead to an abnormal or absent protein product due to the creation of a premature termination codon in DNAH5, a gene where loss-of-function variants are known to be pathogenic. Please note: this variant was assessed in the context of healthy population screening.